The following is an entry in ClinVar:

ClinVar aggregate classification (germline): Pathogenic/Likely pathogenic. Review status: criteria provided, multiple submitters, no conflicts (2 of 4 stars). 9 submissions from 9 submitters: Pathogenic (8); Likely pathogenic (1). Last evaluated 2026-09-23.

Conditions:
Hereditary spherocytosis type 1. Also called: Spherocytosis type 1; ANK1-Related Spherocytosis. Identifiers: Orphanet 822, MedGen C2674218, MONDO:0008447, OMIM 182900.
ANK1-related disorder. Also called: ANK1-related condition.

Submissions (9):

PreventionGenetics, part of Exact Sciences
Classification: Pathogenic for ANK1-related condition. Last evaluated: 2026-09-23. Review status: criteria provided, single submitter. Criteria: ACMG Guidelines, 2015. Collection method: clinical testing. Allele origin: germline.
Comment: The ANK1 c.841C>T variant is predicted to result in premature protein termination (p.Arg281*). This variant was reported in the heterozygous state in individuals with spherocytosis (Hao et al. 2019. PubMed ID: 31016877; Qin et al. 2024. PubMed ID: 39378964). Functional studies indicate this variant results in a truncated protein that is unable to appropriately locate to the plasma membrane or interact with major binding proteins (SLC4A1 and SPTB; Hao et al. 2019. PubMed ID: 31016877). This variant has not been reported in a large population database (gnomAD), indicating this variant is rare. Nonsense variants in ANK1 are expected to be pathogenic. This variant is interpreted as pathogenic.

Labcorp Genetics (formerly Invitae), Labcorp
Classification: Pathogenic. Last evaluated: 2025-08-25. Review status: criteria provided, single submitter. Criteria: Invitae Variant Classification Sherloc (09022015). Collection method: clinical testing. Allele origin: germline.
Comment: This sequence change creates a premature translational stop signal (p.Arg281*) in the ANK1 gene. It is expected to result in an absent or disrupted protein product. Loss-of-function variants in ANK1 are known to be pathogenic (PMID: 8640229). This variant is not present in population databases (gnomAD no frequency). This premature translational stop signal has been observed in individual(s) with clinical features consistent with spherocytosis (PMID: 31016877). ClinVar contains an entry for this variant (Variation ID: 994426). Algorithms developed to predict the effect of variants on gene product structure and function are not available or were not evaluated for this variant. Experimental studies have shown that this premature translational stop signal affects ANK1 function (PMID: 31016877). For these reasons, this variant has been classified as Pathogenic.

BloodGenetics
Classification: Pathogenic for Hereditary spherocytosis type 1. Last evaluated: 2025-06-03. Review status: criteria provided, single submitter. Criteria: ACMG Guidelines, 2015. Collection method: clinical testing. Allele origin: germline. Inheritance: Autosomal dominant inheritance. Affected: yes. Observed: 1 variant allele.
Comment: Variant summary: ANK1 c.841C>T (p.Arg281X) results in a premature termination codon, predicted to cause a truncation of the encoded protein or absence of the protein due to nonsense mediated decay, which are commonly known mechanisms for disease. The variant was absent in 251482 control chromosomes (gnomAD). c.841C>T has been reported in the literature in individuals affected with Hereditary Spherocytosis Type 1 and this variant co-segregated with the disease (Hao_2019). These data indicate that the variant may be associated with disease. At least one publication reports experimental evidence evaluating an impact on protein function and this variant disrupts protein function (Hao_2019). The following publication has been ascertained in the context of this evaluation (PMID: 31016877). ClinVar contains an entry for this variant (Variation ID: 994426). Based on the evidence outlined above, the variant was classified as pathogenic

Laboratory of Genetics, Children's Clinical University Hospital Latvia
Classification: Pathogenic. Last evaluated: 2025-02-16. Review status: criteria provided, single submitter. Criteria: ACMG Guidelines, 2015. Collection method: clinical testing. Allele origin: germline. Affected: yes.

Revvity Omics, Revvity
Classification: Pathogenic for Hereditary spherocytosis type 1. Last evaluated: 2024-12-09. Review status: criteria provided, single submitter. Criteria: ACMG Guidelines, 2015. Collection method: clinical testing. Allele origin: germline.

Women's Health and Genetics/Laboratory Corporation of America, LabCorp
Classification: Pathogenic for Hereditary spherocytosis type 1. Last evaluated: 2024-09-25. Review status: criteria provided, single submitter. Criteria: LabCorp Variant Classification Summary - May 2015. Collection method: clinical testing. Allele origin: germline.
Comment: Variant summary: ANK1 c.841C>T (p.Arg281X) results in a premature termination codon, predicted to cause a truncation of the encoded protein or absence of the protein due to nonsense mediated decay, which are commonly known mechanisms for disease. The variant was absent in 251482 control chromosomes (gnomAD). c.841C>T has been reported in the literature in individuals affected with Hereditary Spherocytosis Type 1 and this variant co-segregated with the disease (Hao_2019). These data indicate that the variant may be associated with disease. At least one publication reports experimental evidence evaluating an impact on protein function and this variant disrupts protein function (Hao_2019). The following publication have been ascertained in the context of this evaluation (PMID: 31016877). ClinVar contains an entry for this variant (Variation ID: 994426). Based on the evidence outlined above, the variant was classified as pathogenic.

Mayo Clinic Laboratories, Mayo Clinic
Classification: Pathogenic. Last evaluated: 2024-06-14. Review status: criteria provided, single submitter. Criteria: ACMG Guidelines, 2015. Collection method: clinical testing. Allele origin: germline.
Comment: PM2_moderate, PM6, PS3, PVS1

ARUP Laboratories, Molecular Genetics and Genomics, ARUP Laboratories
Classification: Pathogenic for Hereditary spherocytosis type 1. Last evaluated: 2023-04-14. Review status: criteria provided, single submitter. Criteria: ARUP Molecular Germline Variant Investigation Process 2024. Collection method: clinical testing. Allele origin: germline.
Comment: The ANK1 c.841C>T; p.Arg281Ter variant is reported in the literature in at least four individuals affected with spherocytosis (Hao 2019, van Vuren 2019). In vitro functional analyses demonstrate increased osmotic fragility and nearly undetected expression of ANK1 (Hao 2019). This variant is absent from the Genome Aggregation Database, indicating it is not a common polymorphism. This variant induces an early termination codon and is predicted to result in a truncated protein or mRNA subject to nonsense-mediated decay. Based on available information, this variant is considered to be pathogenic. REFERENCES Hao L et al. Two novel ANK1 loss-of-function mutations in Chinese families with hereditary spherocytosis. J Cell Mol Med. 2019 Jun. PMID: 31016877 van Vuren A et al. The Complexity of Genotype-Phenotype Correlations in Hereditary Spherocytosis: A Cohort of 95 Patients: Genotype-Phenotype Correlation in Hereditary Spherocytosis. Hemasphere. 2019 Aug. PMID: 31723846

Blueprint Genetics
Classification: Likely pathogenic for ANK1-related disorders. Last evaluated: 2020-08-26. Review status: criteria provided, single submitter. Criteria: ACMG Guidelines, 2015. Collection method: clinical testing. Allele origin: germline. Affected: yes. Observed: 1 variant allele.

Literature cited by the submitters: PubMed 8640229 (cited by Labcorp Genetics (formerly Invitae), Labcorp); PubMed 31016877 (cited by 4 submitters); PubMed 31723846 (cited by Mayo Clinic Laboratories, Mayo Clinic); PubMed 31980736 (cited by Mayo Clinic Laboratories, Mayo Clinic); PubMed 34307574 (cited by Mayo Clinic Laboratories, Mayo Clinic); PubMed 35022413 (cited by Mayo Clinic Laboratories, Mayo Clinic).

NM_000037.4(ANK1):c.841C>T (p.Arg281Ter)

Gene: ANK1 (ankyrin 1; minus strand). Cytogenetic location: 8p11.21.
Variant type: single nucleotide variant.
Coding change: c.841C>T on transcript NM_000037.4 (MANE Select); coding-DNA position 841, C replaced by T.
Protein change: p.Arg281Ter; replaces arginine 281 with a stop codon.
Molecular consequence: nonsense.
Genome position (GRCh38, 1-based): chr8:41,723,193, G>A on the plus strand (C>T on the coding strand, the complement: ANK1 is on the minus strand). VCF-style: chr8-41723193-G-A. GRCh37 (hg19) VCF-style: chr8-41580711-G-A.
Other names: c.940C>T, p.Arg314Ter (NM_001142446.2); c.841C>T, p.Arg281Ter (NM_020475.3, NM_020476.3, NM_020477.3); c.841C>T (NM_020476.2); short protein forms R281*, R314*.
Identifiers: ClinVar variation 994426 (VCV000994426.23), dbSNP rs1829712320, ClinGen allele CA371042112.